The following is an entry in ClinVar:

NM_173598.6(KSR2):c.615C>T (p.Cys205=)

Gene: KSR2 (kinase suppressor of ras 2; minus strand). Cytogenetic location: 12q24.23.
Variant type: single nucleotide variant.
Coding change: c.615C>T on transcript NM_173598.6 (MANE Select); coding-DNA position 615, C replaced by T.
Protein change: p.Cys205=; no amino-acid change (cysteine 205 retained).
Molecular consequence: synonymous variant.
Genome position (GRCh38, 1-based): chr12:117,761,382, G>A on the plus strand (C>T on the coding strand, the complement: KSR2 is on the minus strand). VCF-style: chr12-117761382-G-A. GRCh37 (hg19) VCF-style: chr12-118199187-G-A.
Identifiers: ClinVar variation 3353251 (VCV003353251.1).

ClinVar aggregate classification (germline): Likely benign (0 of 4 stars; one submission).

Conditions:
KSR2-related disorder. Also called: KSR2-related condition.

gnomAD v4.1: 8 of 1,604,476 alleles (0.0005%); highest among the groups gnomAD compares: South Asian, 0.0033%; no homozygotes.

Submission:

PreventionGenetics, part of Exact Sciences
Classification: Likely benign for KSR2-related condition. Last evaluated: 2024-06-06. Review status: no assertion criteria provided. Collection method: clinical testing. Allele origin: germline.
Comment: This variant is classified as likely benign based on ACMG/AMP sequence variant interpretation guidelines (Richards et al. 2015 PMID: 25741868, with internal and published modifications).